The following is an entry in ClinVar:

NM_013275.6(ANKRD11):c.1295C>G (p.Thr432Arg)

Gene: ANKRD11 (ankyrin repeat domain 11; minus strand). Cytogenetic location: 16q24.3.
Variant type: single nucleotide variant.
Coding change: c.1295C>G on transcript NM_013275.6 (MANE Select); coding-DNA position 1295, C replaced by G.
Protein change: p.Thr432Arg; replaces threonine 432 with arginine.
Molecular consequence: missense variant.
Genome position (GRCh38, 1-based): chr16:89,285,247, G>C on the plus strand (C>G on the coding strand, the complement: ANKRD11 is on the minus strand). VCF-style: chr16-89285247-G-C. GRCh37 (hg19) VCF-style: chr16-89351655-G-C.
Other names: c.1295C>G, p.Thr432Arg (NM_001256182.2, NM_001256183.2); short protein forms T432R.
Identifiers: ClinVar variation 4692269 (VCV004692269.1).

ClinVar aggregate classification (germline): Uncertain significance (1 of 4 stars; one submission).

Conditions:
KBG syndrome (KBGS). Also called: ANKRD11-Related KBG Syndrome. Identifiers: Orphanet 2332, MedGen C0220687, MONDO:0007846, OMIM 148050.

gnomAD v4.1: 11 of 1,613,628 alleles (0.00068%); highest among the groups gnomAD compares: South Asian, 0.0077%; no homozygotes.

Submission:

Labcorp Genetics (formerly Invitae), Labcorp
Classification: Uncertain significance for KBG syndrome. Last evaluated: 2025-07-30. Review status: criteria provided, single submitter. Criteria: Invitae Variant Classification Sherloc (09022015). Collection method: clinical testing. Allele origin: germline.
Comment: This sequence change replaces threonine, which is neutral and polar, with arginine, which is basic and polar, at codon 432 of the ANKRD11 protein (p.Thr432Arg). This variant is present in population databases (no rsID available, gnomAD 0.0009%). This variant has not been reported in the literature in individuals affected with ANKRD11-related conditions. Invitae Evidence Modeling of protein sequence and biophysical properties (such as structural, functional, and spatial information, amino acid conservation, physicochemical variation, residue mobility, and thermodynamic stability) indicates that this missense variant is not expected to disrupt ANKRD11 protein function with a negative predictive value of 95%. In summary, the available evidence is currently insufficient to determine the role of this variant in disease. Therefore, it has been classified as a Variant of Uncertain Significance.